The following is an entry in ClinVar:

ClinVar aggregate classification (germline): Uncertain significance (0 of 4 stars; one submission).

Conditions:
TEK-related disorder. Also called: TEK-related condition.

gnomAD v4.1: 3 of 1,613,712 alleles (0.00019%); highest among the groups gnomAD compares: Non-Finnish European, 0.00017%; no homozygotes.

Submission:

PreventionGenetics, part of Exact Sciences
Classification: Uncertain significance for TEK-related condition. Last evaluated: 2024-09-03. Review status: no assertion criteria provided. Collection method: clinical testing. Allele origin: germline.
Comment: The TEK c.3307G>A variant is predicted to result in the amino acid substitution p.Val1103Met. To our knowledge, this variant has not been reported in the literature or in a large population database, indicating this variant is rare. At this time, the clinical significance of this variant is uncertain due to the absence of conclusive functional and genetic evidence.

NM_000459.5(TEK):c.3307G>A (p.Val1103Met)

Gene: TEK (TEK receptor tyrosine kinase; plus strand). Cytogenetic location: 9p21.2.
Variant type: single nucleotide variant.
Coding change: c.3307G>A on transcript NM_000459.5 (MANE Select); coding-DNA position 3307, G replaced by A.
Protein change: p.Val1103Met; replaces valine 1103 with methionine.
Molecular consequence: missense variant.
Genome position (GRCh38, 1-based): chr9:27,229,164, G>A. VCF-style: chr9-27229164-G-A. GRCh37 (hg19) VCF-style: chr9-27229162-G-A.
Other names: c.3178G>A, p.Val1060Met (NM_001290077.2); c.2863G>A, p.Val955Met (NM_001290078.2); c.3304G>A, p.Val1102Met (NM_001375475.1); c.3175G>A, p.Val1059Met (NM_001375476.1); short protein forms V1059M, V1060M, V1102M, V1103M, V955M.
Identifiers: ClinVar variation 3346112 (VCV003346112.1).